The following is an entry in ClinVar:

NM_001042492.3(NF1):c.1450del (p.Leu484fs)

Gene: NF1 (neurofibromin 1; plus strand). Cytogenetic location: 17q11.2.
Variant type: Deletion.
Coding change: c.1450del on transcript NM_001042492.3 (MANE Select); coding-DNA position 1450, one base deleted (C; older notation c.1450delC).
Protein change: p.Leu484fs; shifts the reading frame from leucine 484.
Molecular consequence: frameshift variant.
Genome position (GRCh38, 1-based): chr17:31,214,508, C deleted; the last of 2 consecutive C bases (chr17:31,214,507-31,214,508); deleting either gives the same sequence. VCF-style (leftmost placement, unchanged base first): chr17-31214506-AC-A. GRCh37 (hg19) VCF-style: chr17-29541524-AC-A.
Other names: c.1450delC, p.Leu484Trpfs (NM_000267.4); c.1450del, p.Leu484fs (NM_001128147.3); c.1450delC (NM_000267.3); short protein forms L484fs.
Identifiers: ClinVar variation 1394572 (VCV001394572.8), dbSNP rs2143959373, ClinGen allele CA2573153638.

ClinVar aggregate classification (germline): Pathogenic. Review status: criteria provided, multiple submitters, no conflicts (2 of 4 stars). 2 submissions from 2 submitters: Pathogenic (2). Last evaluated 2021-06-04.

Conditions:
Cardiovascular phenotype. Identifiers: MedGen CN230736.
Hereditary cancer-predisposing syndrome. Also called: Hereditary neoplastic syndrome; Neoplastic Syndromes, Hereditary; Hereditary Cancer Syndrome; Tumor predisposition. Identifiers: Orphanet 140162, MedGen C0027672, MeSH D009386, MONDO:0015356.
Neurofibromatosis, type 1 (NF1). Also called: VON RECKLINGHAUSEN DISEASE; Neurofibromatosis, type I; NEUROFIBROMATOSIS, TYPE I, SOMATIC; Peripheral type neurofibromatosis. Identifiers: Orphanet 636, MedGen C0027831, MONDO:0018975, OMIM 162200. Disease mechanism: loss of function.

Submissions (2):

Labcorp Genetics (formerly Invitae), Labcorp
Classification: Pathogenic for Neurofibromatosis, type 1. Last evaluated: 2021-06-04. Review status: criteria provided, single submitter. Criteria: Invitae Variant Classification Sherloc (09022015). Collection method: clinical testing. Allele origin: germline.
Comment: This variant is not present in population databases (ExAC no frequency). This sequence change creates a premature translational stop signal (p.Leu484Trpfs*14) in the NF1 gene. It is expected to result in an absent or disrupted protein product. Loss-of-function variants in NF1 are known to be pathogenic (PMID: 10712197, 23913538). This variant has not been reported in the literature in individuals with NF1-related conditions. For these reasons, this variant has been classified as Pathogenic.

Ambry Genetics
Classification: Pathogenic for Cardiovascular phenotype; Hereditary cancer-predisposing syndrome. Last evaluated: 2019-08-20. Review status: criteria provided, single submitter. Criteria: Ambry Variant Classification Scheme 2023. Collection method: clinical testing. Allele origin: germline.
Comment: The c.1450delC pathogenic mutation, located in coding exon 13 of the NF1 gene, results from a deletion of one nucleotide at nucleotide position 1450, causing a translational frameshift with a predicted alternate stop codon (p.L484Wfs*14). This alteration is expected to result in loss of function by premature protein truncation or nonsense-mediated mRNA decay. As such, this alteration is interpreted as a disease-causing mutation.

Literature cited by the submitters: PubMed 10712197 (cited by Labcorp Genetics (formerly Invitae), Labcorp); PubMed 23913538 (cited by Labcorp Genetics (formerly Invitae), Labcorp).